The following is an entry in ClinVar:

NM_000297.4(PKD2):c.-14C>A

Genes: PKD2 (polycystin 2, transient receptor potential cation channel; plus strand), LOC129992813 (ATAC-STARR-seq lymphoblastoid silent region 15559; plus strand). Cytogenetic location: 4q22.1.
Variant type: single nucleotide variant.
Coding change: c.-14C>A on transcript NM_000297.4 (MANE Select); 14 bases upstream of the start codon, C replaced by A.
Molecular consequence: 5 prime UTR variant. On other transcripts: non-coding transcript variant (1).
Genome position (GRCh38, 1-based): chr4:88,007,720, C>A. VCF-style: chr4-88007720-C-A. GRCh37 (hg19) VCF-style: chr4-88928872-C-A.
Identifiers: ClinVar variation 997305 (VCV000997305.1), dbSNP rs552115097, ClinGen allele CA3003707.

ClinVar aggregate classification (germline): Likely benign (0 of 4 stars; one submission).

Conditions:
Polycystic kidney disease. Also called: Polycystic kidney dysplasia; Kidney, Polycystic. Identifiers: MedGen C0022680, MeSH D007690, MONDO:0020642, HP:0000113.

Allele frequency attached by ClinVar (database versions not stated): ExAC below 0.00001; gnomAD exomes 0.00002 and 0.00004; 1000 Genomes Project 0.00060; 1000 Genomes Project 30x 0.00062; gnomAD 0.00067 and 0.00072; TOPMed 0.00079.
gnomAD v4.1: 150 of 1,193,158 alleles (0.013%); highest among the groups gnomAD compares: African/African-American, 0.22%; 1 homozygote.

Submission:

Department of Pathology and Laboratory Medicine, Sinai Health System
Classification: Likely benign for Polycystic Kidney disease. Review status: no assertion criteria provided. Collection method: clinical testing. Allele origin: unknown. Affected: yes. Observed: 1 variant allele. Study: The Canadian Open Genetics Repository (COGR).
Comment: The PKD2 c.-14C>A variant was not identified in the literature nor was it identified in the ClinVar, LOVD 3.0, ADPKD Mutation Database, PKD1-LOVD, databases. The variant was identified in dbSNP (ID: rs552115097) as â€šÃ„ÃºNAâ€šÃ„Ã¹. The variant was identified in control databases in 21 (1 homozygous) of 28212 chromosomes at a frequency of 0.0007 in the following population: African in 21 of 8368 chromosomes (freq. 0.0025) increasing the likelihood that this may be a low frequency variant in certain populations of origin (Genome Aggregation Consortium Feb 27, 2017). The c.-14C>A variant occurs outside of the splicing consensus sequence and 1 of 5 in silico or computational prediction software programs (SpliceSiteFinder, MaxEntScan, NNSPLICE, GeneSplicer, HumanSpliceFinder) predict a greater than 10% difference in splicing; this is not very predictive of pathogenicity. In summary, based on the above information the clinical significance of this variant cannot be determined with certainty at this time although we would lean towards a more benign role for this variant. This variant is classified as likely benign.